The following is an entry in ClinVar:

ClinVar aggregate classification (germline): Uncertain significance. Review status: criteria provided, multiple submitters, no conflicts (2 of 4 stars). 2 submissions from 2 submitters: Uncertain significance (2). Last evaluated 2022-07-14.

Conditions:
Inborn genetic diseases. Identifiers: MedGen C0950123, MeSH D030342.

Allele frequency attached by ClinVar (database versions not stated): ExAC 0.00002; gnomAD 0.00009; TOPMed 0.00009; ESP Exome Variant Server 0.00015; gnomAD exomes 0.00018.
gnomAD v4.1: 271 of 1,611,406 alleles (0.017%); highest among the groups gnomAD compares: Non-Finnish European, 0.022%; no homozygotes.

Submissions (2):

Labcorp Genetics (formerly Invitae), Labcorp
Classification: Uncertain significance. Last evaluated: 2022-07-14. Review status: criteria provided, single submitter. Criteria: Invitae Variant Classification Sherloc (09022015). Collection method: clinical testing. Allele origin: germline.
Comment: This sequence change replaces phenylalanine, which is neutral and non-polar, with cysteine, which is neutral and slightly polar, at codon 270 of the FNIP1 protein (p.Phe270Cys). This variant is present in population databases (rs372551859, gnomAD 0.01%). This variant has not been reported in the literature in individuals affected with FNIP1-related conditions. Algorithms developed to predict the effect of missense changes on protein structure and function are either unavailable or do not agree on the potential impact of this missense change (SIFT: "Deleterious"; PolyPhen-2: "Probably Damaging"; Align-GVGD: "Class C0"). In summary, the available evidence is currently insufficient to determine the role of this variant in disease. Therefore, it has been classified as a Variant of Uncertain Significance.

Ambry Genetics
Classification: Uncertain significance for Inborn genetic diseases. Last evaluated: 2021-06-18. Review status: criteria provided, single submitter. Criteria: Ambry Variant Classification Scheme 2023. Collection method: clinical testing. Allele origin: germline.

NM_133372.3(FNIP1):c.809T>G (p.Phe270Cys)

Gene: FNIP1 (folliculin interacting protein 1; minus strand). Cytogenetic location: 5q31.1.
Variant type: single nucleotide variant.
Coding change: c.809T>G on transcript NM_133372.3 (MANE Select); coding-DNA position 809, T replaced by G.
Protein change: p.Phe270Cys; replaces phenylalanine 270 with cysteine.
Molecular consequence: missense variant.
Genome position (GRCh38, 1-based): chr5:131,706,516, A>C on the plus strand (T>G on the coding strand, the complement: FNIP1 is on the minus strand). VCF-style: chr5-131706516-A-C. GRCh37 (hg19) VCF-style: chr5-131042209-A-C.
Other names: c.725T>G, p.Phe242Cys (NM_001008738.3); c.809T>G, p.Phe270Cys (NM_001346113.2); c.674T>G, p.Phe225Cys (NM_001346114.2); c.809T>G (NM_133372.2); short protein forms F242C, F270C, F225C.
Identifiers: ClinVar variation 2139085 (VCV002139085.2), dbSNP rs372551859, ClinGen allele CA3400795.
Genomic context (GRCh38, chr5:131,706,516, plus strand): 5'-CGCCAACGTCGCTGGTAGCTGCTGGCACAACTTCGGGTAAGTGAGGAGTTTGGGGAAGGA[A>C]ATGGAGTGATCAGCAAGCTGCTGAGAGATGCTGTTAAGTCAGAAGAACAACAAGTATAAG-3'
Protein context (NP_588613.3, residues 260-280): ASLSSLLITP[Phe270Cys]PSPNSSLTRS